The following is an entry in ClinVar:

ClinVar aggregate classification (germline): Pathogenic/Likely pathogenic. Review status: criteria provided, multiple submitters, no conflicts (2 of 4 stars). 6 submissions from 6 submitters: Pathogenic (4); Likely pathogenic (2). Last evaluated 2024-08-27.

Conditions:
Hereditary cancer-predisposing syndrome. Also called: Neoplastic Syndromes, Hereditary; Hereditary neoplastic syndrome; Tumor predisposition; Hereditary Cancer Syndrome. Identifiers: Orphanet 140162, MedGen C0027672, MeSH D009386, MONDO:0015356.
Familial cancer of breast. Also called: BREAST CANCER, FAMILIAL; hereditary breast carcinoma; Hereditary breast cancer. Identifiers: Orphanet 227535, MedGen C0346153, MONDO:0016419, OMIM 114480. Disease mechanism: loss of function.
Ataxia-telangiectasia syndrome (AT). Also called: Ataxia-telangiectasia, complementation group E; Ataxia telangiectasia (A-T); LOUIS-BAR SYNDROME; Ataxia-telangiectasia, complementation group D; AT, COMPLEMENTATION GROUP C; Ataxia-telangiectasia. Identifiers: Orphanet 100, MedGen C0004135, MONDO:0008840, OMIM 208900.

Allele frequency attached by ClinVar (database versions not stated): gnomAD exomes below 0.00001.

Submissions (6):

Labcorp Genetics (formerly Invitae), Labcorp
Classification: Pathogenic for Ataxia-telangiectasia syndrome. Last evaluated: 2024-08-27. Review status: criteria provided, single submitter. Criteria: Invitae Variant Classification Sherloc (09022015). Collection method: clinical testing. Allele origin: germline.
Comment: This sequence change creates a premature translational stop signal (p.Thr237Asnfs*17) in the ATM gene. It is expected to result in an absent or disrupted protein product. Loss-of-function variants in ATM are known to be pathogenic (PMID: 23807571, 25614872). This variant is not present in population databases (gnomAD no frequency). This variant has not been reported in the literature in individuals affected with ATM-related conditions. ClinVar contains an entry for this variant (Variation ID: 835979). Algorithms developed to predict the effect of sequence changes on RNA splicing suggest that this variant may disrupt the consensus splice site. For these reasons, this variant has been classified as Pathogenic.

Natera, Inc.
Classification: Likely pathogenic for Ataxia-telangiectasia. Last evaluated: 2024-07-11. Review status: criteria provided, single submitter. Criteria: Natera Variant Classification Schema (03/2026). Collection method: clinical testing. Allele origin: germline.
Comment: The c.709dup variant in ATM is a frameshift variant predicted to shift the reading frame beginning at codon 237 and leads to a stop codon 17 codons downstream. This variant is expected to result in nonsense mediated decay, truncation, or a dysfunctional protein product. This variant is rare in the general population with a frequency below the threshold expected for the associated phenotype(s). Given the available evidence, this variant is classified as Likely Pathogenic.

Fulgent Genetics
Classification: Likely pathogenic for Familial cancer of breast; Ataxia-telangiectasia syndrome. Last evaluated: 2024-01-05. Review status: criteria provided, single submitter. Criteria: ACMG Guidelines, 2015. Collection method: clinical testing. Allele origin: germline.

Ambry Genetics
Classification: Pathogenic for Hereditary cancer-predisposing syndrome. Last evaluated: 2023-04-05. Review status: criteria provided, single submitter. Criteria: Ambry Variant Classification Scheme 2023. Collection method: clinical testing. Allele origin: germline.
Comment: The c.709dupA pathogenic mutation, located in coding exon 6 of the ATM gene, results from a duplication of A at nucleotide position 709, causing a translational frameshift with a predicted alternate stop codon (p.T237Nfs*17). This variant is considered to be rare based on population cohorts in the Genome Aggregation Database (gnomAD). This alteration is expected to result in loss of function by premature protein truncation or nonsense-mediated mRNA decay. As such, this alteration is interpreted as a disease-causing mutation.

GeneDx
Classification: Pathogenic. Last evaluated: 2021-06-30. Review status: criteria provided, single submitter. Criteria: GeneDx Variant Classification Process June 2021. Collection method: clinical testing. Allele origin: germline. Affected: yes.
Comment: Frameshift variant predicted to result in protein truncation or nonsense mediated decay in a gene for which loss-of-function is a known mechanism of disease; Not observed at significant frequency in large population cohorts (Lek 2016); Observed in individuals with aggressive prostate cancer in published literature (Nguyen-Dumont 2020); This variant is associated with the following publications: (PMID: 32338768, 33436325, 27535533)

Color Diagnostics, LLC DBA Color Health
Classification: Pathogenic for Hereditary cancer-predisposing syndrome. Last evaluated: 2020-01-15. Review status: criteria provided, single submitter. Criteria: ACMG Guidelines, 2015. Collection method: clinical testing. Allele origin: germline.
Comment: This variant inserts 1 nucleotide in exon 7 of the ATM gene, creating a frameshift and premature translation stop signal. This variant is expected to result in an absent or non-functional protein product. This variant has not been identified in the general population by the Genome Aggregation Database (gnomAD). Loss of ATM function is a known mechanism of disease. Based on the available evidence, this variant is classified as Pathogenic.

Literature cited by the submitters: PubMed 23807571 (cited by Labcorp Genetics (formerly Invitae), Labcorp); PubMed 25614872 (cited by Labcorp Genetics (formerly Invitae), Labcorp).

NM_000051.4(ATM):c.709dup (p.Thr237fs)

Gene: ATM (ATM serine/threonine kinase; plus strand). Cytogenetic location: 11q22.3.
Variant type: Duplication.
Coding change: c.709dup on transcript NM_000051.4 (MANE Select); coding-DNA position 709, one base duplicated (A; older notation c.709dupA).
Protein change: p.Thr237fs; shifts the reading frame from threonine 237.
Molecular consequence: frameshift variant.
Genome position (GRCh38, 1-based): chr11:108,244,834, A duplicated. VCF-style (leftmost placement, unchanged base first): chr11-108244833-T-TA. GRCh37 (hg19) VCF-style: chr11-108115560-T-TA.
Other names: c.709dup, p.Thr237fs (NM_001351834.2); c.709dupA (NM_000051.3); short protein forms T237fs.
Identifiers: ClinVar variation 835979 (VCV000835979.17), dbSNP rs2079758064, ClinGen allele CA916080476.